The following is an entry in ClinVar:

NM_000286.3(PEX12):c.681-30C>T

Gene: PEX12 (peroxisomal biogenesis factor 12; minus strand). Cytogenetic location: 17q12.
Variant type: single nucleotide variant.
Coding change: c.681-30C>T on transcript NM_000286.3 (MANE Select); 30 bases into the intron before coding-DNA position 681, C replaced by T.
Molecular consequence: intron variant.
Genome position (GRCh38, 1-based): chr17:35,576,211, G>A on the plus strand (C>T on the coding strand, the complement: PEX12 is on the minus strand). VCF-style: chr17-35576211-G-A. GRCh37 (hg19) VCF-style: chr17-33903230-G-A.
Other names: p.?.
Identifiers: ClinVar variation 4684201 (VCV004684201.1).

ClinVar aggregate classification (germline): Benign (1 of 4 stars; one submission).

gnomAD v4.1: 587 of 1,608,368 alleles (0.036%); highest among the groups gnomAD compares: African/African-American, 0.71%; 1 homozygote.

Submission:

Mayo Clinic Laboratories, Mayo Clinic
Classification: Benign. Last evaluated: 2024-11-05. Review status: criteria provided, single submitter. Criteria: ACMG Guidelines, 2015. Collection method: clinical testing. Allele origin: germline. Observed: 2 variant alleles.
Comment: BA1, BP4, BP7